The following is an entry in ClinVar:

NM_005506.4(SCARB2):c.440C>T (p.Ser147Phe)

Gene: SCARB2 (scavenger receptor class B member 2; minus strand). Cytogenetic location: 4q21.1.
Variant type: single nucleotide variant.
Coding change: c.440C>T on transcript NM_005506.4 (MANE Select); coding-DNA position 440, C replaced by T.
Protein change: p.Ser147Phe; replaces serine 147 with phenylalanine.
Molecular consequence: missense variant. On other transcripts: intron variant (1).
Genome position (GRCh38, 1-based): chr4:76,179,689, G>A on the plus strand (C>T on the coding strand, the complement: SCARB2 is on the minus strand). VCF-style: chr4-76179689-G-A. GRCh37 (hg19) VCF-style: chr4-77100842-G-A.
Other names: c.276-3779C>T (NM_001204255.2); c.440C>T (NM_005506.3); short protein forms S147F.
Identifiers: ClinVar variation 2154426 (VCV002154426.3), dbSNP rs1469458611, ClinGen allele CA357327028.
Genomic context (GRCh38, chr4:76,179,689, plus strand): 5'-AGCTTCTGCTGATAGGCTTTCAACATGGCCTCGATGATCTCCCTGAGGAAGTGCACCTGG[G>A]ACCACTCTATGACAGTCTGCGGAGCAGAGGTATATTAAGACAGCAGCATCCCCTCCAAAG-3'
Protein context (NP_005497.1, residues 137-157): NIPVLTVIEW[Ser147Phe]QVHFLREIIE

ClinVar aggregate classification (germline): Uncertain significance. Review status: criteria provided, multiple submitters, no conflicts (2 of 4 stars). 2 submissions from 2 submitters: Uncertain significance (2). Last evaluated 2024-05-13.

Conditions:
Progressive myoclonic epilepsy. Also called: Progressive myoclonus epilepsy; Familial progressive myoclonic epilepsy; Myoclonic Epilepsies, Progressive; Myoclonus epilepsy. Identifiers: Orphanet 308, Orphanet 98261, MedGen C0751778, MONDO:0020074.

Allele frequency attached by ClinVar (database versions not stated): gnomAD exomes below 0.00001.
gnomAD v4.1: 2 of 1,613,746 alleles (0.00012%); highest among the groups gnomAD compares: South Asian, 0.0022%; no homozygotes.

Submissions (2):

GeneDx
Classification: Uncertain significance. Last evaluated: 2024-05-13. Review status: criteria provided, single submitter. Criteria: GeneDx Variant Classification Process June 2021. Collection method: clinical testing. Allele origin: germline. Affected: yes.
Comment: Not observed at significant frequency in large population cohorts (gnomAD); In silico analysis indicates that this missense variant does not alter protein structure/function; Has not been previously published as pathogenic or benign to our knowledge

Labcorp Genetics (formerly Invitae), Labcorp
Classification: Uncertain significance for Progressive myoclonic epilepsy. Last evaluated: 2022-04-09. Review status: criteria provided, single submitter. Criteria: Invitae Variant Classification Sherloc (09022015). Collection method: clinical testing. Allele origin: germline.
Comment: This sequence change replaces serine, which is neutral and polar, with phenylalanine, which is neutral and non-polar, at codon 147 of the SCARB2 protein (p.Ser147Phe). This variant is present in population databases (no rsID available, gnomAD 0.003%). This variant has not been reported in the literature in individuals affected with SCARB2-related conditions. Algorithms developed to predict the effect of missense changes on protein structure and function (SIFT, PolyPhen-2, Align-GVGD) all suggest that this variant is likely to be tolerated. In summary, the available evidence is currently insufficient to determine the role of this variant in disease. Therefore, it has been classified as a Variant of Uncertain Significance.